The following is an entry in ClinVar:

NM_020937.4(FANCM):c.2710G>T (p.Asp904Tyr)

Gene: FANCM (FA complementation group M; plus strand). Cytogenetic location: 14q21.2.
Variant type: single nucleotide variant.
Coding change: c.2710G>T on transcript NM_020937.4 (MANE Select); coding-DNA position 2710, G replaced by T.
Protein change: p.Asp904Tyr; replaces aspartic acid 904 with tyrosine.
Molecular consequence: missense variant.
Genome position (GRCh38, 1-based): chr14:45,175,464, G>T. VCF-style: chr14-45175464-G-T. GRCh37 (hg19) VCF-style: chr14-45644667-G-T.
Other names: c.2632G>T, p.Asp878Tyr (NM_001308133.2); short protein forms D878Y, D904Y.
Identifiers: ClinVar variation 1311770 (VCV001311770.3), dbSNP rs1205156870, ClinGen allele CA389598876.

ClinVar aggregate classification (germline): Uncertain significance. Review status: criteria provided, multiple submitters, no conflicts (2 of 4 stars). 2 submissions from 2 submitters: Uncertain significance (2). Last evaluated 2025-06-02.

Conditions:
Inborn genetic diseases. Identifiers: MedGen C0950123, MeSH D030342.

Submissions (2):

Ambry Genetics
Classification: Uncertain significance for Inborn genetic diseases. Last evaluated: 2025-06-02. Review status: criteria provided, single submitter. Criteria: Ambry Variant Classification Scheme 2023. Collection method: clinical testing. Allele origin: germline.
Comment: The p.D904Y variant (also known as c.2710G>T), located in coding exon 14 of the FANCM gene, results from a G to T substitution at nucleotide position 2710. The aspartic acid at codon 904 is replaced by tyrosine, an amino acid with highly dissimilar properties. This amino acid position is conserved. In addition, this alteration is predicted to be tolerated by in silico analysis. Based on the available evidence, the clinical significance of this variant remains unclear.

GeneDx
Classification: Uncertain significance. Last evaluated: 2019-12-24. Review status: criteria provided, single submitter. Criteria: GeneDx Variant Classification Process June 2021. Collection method: clinical testing. Allele origin: germline. Affected: yes.
Comment: Not observed in large population cohorts (Lek 2016); In silico analysis, which includes protein predictors and evolutionary conservation, supports a deleterious effect; Has not been previously published as pathogenic or benign to our knowledge